The following is an entry in ClinVar:

NM_000540.3(RYR1):c.3223C>T (p.Arg1075Trp)

Gene: RYR1 (ryanodine receptor 1; plus strand). Cytogenetic location: 19q13.2.
Variant type: single nucleotide variant.
Coding change: c.3223C>T on transcript NM_000540.3 (MANE Select); coding-DNA position 3223, C replaced by T.
Protein change: p.Arg1075Trp; replaces arginine 1075 with tryptophan.
Molecular consequence: missense variant.
Genome position (GRCh38, 1-based): chr19:38,467,654, C>T. VCF-style: chr19-38467654-C-T. GRCh37 (hg19) VCF-style: chr19-38958294-C-T.
Other names: c.3223C>T, p.Arg1075Trp (NM_001042723.2); short protein forms R1075W.
Identifiers: ClinVar variation 1066833 (VCV001066833.13), dbSNP rs573649990, ClinGen allele CA064569.

ClinVar aggregate classification (germline): Pathogenic/Likely pathogenic. Review status: criteria provided, multiple submitters, no conflicts (2 of 4 stars). 3 submissions from 3 submitters: Pathogenic (1); Likely pathogenic (2). Last evaluated 2025-10-27.

Conditions:
Centronuclear myopathy (CNM). Also called: Centronuclear myopathy, congenital; Myotubular myopathy. Identifiers: Orphanet 595, MedGen C0175709, MONDO:0018947. Inheritance: All.
RYR1-related disorder. Also called: RYR1-related condition; RYR1-related disorders. Identifiers: MedGen CN239331.
Congenital multicore myopathy with external ophthalmoplegia (CMYO1B). Also called: MULTICORE MYOPATHY; Congenital myopathy 1B, autosomal recessive; Minicore myopathy; MULTIMINICORE DISEASE WITH EXTERNAL OPHTHALMOPLEGIA; Minicore myopathy with external ophthalmoplegia. Identifiers: Orphanet 598, Orphanet 98905, MedGen C1850674, MONDO:0009712, OMIM 255320, HP:0003789.

Allele frequency attached by ClinVar (database versions not stated): TOPMed below 0.00001; gnomAD 0.00001; gnomAD exomes 0.00001 and 0.00002; ExAC 0.00002; 1000 Genomes Project 30x 0.00016; 1000 Genomes Project 0.00020.
gnomAD v4.1: 9 of 1,614,212 alleles (0.00056%); highest among the groups gnomAD compares: East Asian, 0.0045%; no homozygotes.

Submissions (3):

Labcorp Genetics (formerly Invitae), Labcorp
Classification: Pathogenic for RYR1-related disorder. Last evaluated: 2025-10-27. Review status: criteria provided, single submitter. Criteria: Invitae Variant Classification Sherloc (09022015). Collection method: clinical testing. Allele origin: germline.
Comment: This sequence change replaces arginine, which is basic and polar, with tryptophan, which is neutral and slightly polar, at codon 1075 of the RYR1 protein (p.Arg1075Trp). This variant is present in population databases (rs573649990, gnomAD 0.007%). This missense change has been observed in individual(s) with autosomal recessive RYR1-related myopathy (PMID: 23826317; internal data). In at least one individual the data is consistent with being in trans (on the opposite chromosome) from a pathogenic variant. It has also been observed to segregate with disease in related individuals. ClinVar contains an entry for this variant (Variation ID: 1066833). Invitae Evidence Modeling of protein sequence and biophysical properties (such as structural, functional, and spatial information, amino acid conservation, physicochemical variation, residue mobility, and thermodynamic stability) indicates that this missense variant is expected to disrupt RYR1 protein function with a positive predictive value of 95%. This variant disrupts the p.Arg1075 amino acid residue in RYR1. Other variant(s) that disrupt this residue have been observed in individuals with RYR1-related conditions (PMID: 28818389), which suggests that this may be a clinically significant amino acid residue. For these reasons, this variant has been classified as Pathogenic.

Victorian Clinical Genetics Services, Murdoch Childrens Research Institute
Classification: Likely pathogenic for Congenital multicore myopathy with external ophthalmoplegia. Last evaluated: 2025-03-06. Review status: criteria provided, single submitter. Criteria: ACMG Guidelines, 2015. Collection method: clinical testing. Allele origin: germline.
Comment: This variant is classified as Likely pathogenic. Evidence in support of pathogenic classification: Variant is present in gnomAD <0.01 (v4: 9 heterozygote(s), 0 homozygote(s)); This variant has moderate previous evidence of pathogenicity in unrelated individuals. This variant has been classified as pathogenic by a clinical laboratory (ClinVar). This variant has also been reported in three compound heterozygous individuals from two families with congenital myopathy (PMIDs: 23826317, 30611313); Another missense variant comparable to the one identified in this case has moderate previous evidence for pathogenicity. p.(Arg1075Gln) has been classified likely pathogenic/pathogenic by clinical laboratories, and was identified in two unrelated individual's with RYR1-related disorders and myopathies (ClinVar, PMID:28818389). This variant has also been classified likely benign by the ClinGen expert panel in association with malignant hyperthermia; Missense variant predicted to be damaging by in silico tool(s) or highly conserved with a major amino acid change. Additional information: Variant is predicted to result in a missense amino acid change from arginine to tryptophan; This variant is heterozygous; This gene is associated with both recessive and dominant disease (OMIM); Alternative amino acid change(s) at the same position are present in gnomAD (highest alelle count: v4: 6 heterozygote(s), 0 homozygote(s)); No published functional evidence has been identified for this variant; Variant is not located in an established domain, motif, hotspot or informative constraint region; Loss of function and gain of function are known mechanisms of disease in this gene and are associated with RYR1-related disorders (OMIM). Gain of function mechanism has been described in the context of malignant hyperthermia susceptibility 1 (MIM#145600) and autosomal dominant congenital myopathy 1A with susceptibility to malignant hyperthermia (MIM#117000). Autosomal recessive congenital myopathy 1B (MIM#255320) is associated with a loss of function mechanism (PMIDs: 27855725, 23919265). The mechanism of King-Denborough syndrome (MIM#619542) is unclear.

Muscle and Diseases Team, Institut de Génétique et Biologie Moléculaire et Cellulaire
Classification: Likely pathogenic for Centronuclear myopathy. Last evaluated: 2024-03-01. Review status: criteria provided, single submitter. Criteria: ACMG Guidelines, 2015. Collection method: research. Allele origin: maternal. Affected: yes. Observed: 1 variant allele.
Comment: PP1_Strong+PM2+PP2

Literature cited by the submitters: PubMed 23826317 (cited by 3 submitters); PubMed 28818389 (cited by Labcorp Genetics (formerly Invitae), Labcorp and Victorian Clinical Genetics Services, Murdoch Childrens Research Institute); PubMed 27855725 (cited by Victorian Clinical Genetics Services, Murdoch Childrens Research Institute); PubMed 23919265 (cited by Victorian Clinical Genetics Services, Murdoch Childrens Research Institute); PubMed 30611313 (cited by Victorian Clinical Genetics Services, Murdoch Childrens Research Institute); DOI 10.1186/s13073-024-01353-0 (cited by Muscle and Diseases Team, Institut de Génétique et Biologie Moléculaire et Cellulaire).